The following is an entry in ClinVar:

ClinVar aggregate classification (germline): Uncertain significance. Review status: criteria provided, multiple submitters, no conflicts (2 of 4 stars). 2 submissions from 2 submitters: Uncertain significance (2). Last evaluated 2025-10-08.

Allele frequency attached by ClinVar (database versions not stated): ExAC 0.00001; gnomAD 0.00001; gnomAD exomes 0.00001; ESP Exome Variant Server 0.00008.
gnomAD v4.1: 13 of 1,613,924 alleles (0.00081%); highest among the groups gnomAD compares: African/African-American, 0.0027%; no homozygotes.

Submissions (2):

Labcorp Genetics (formerly Invitae), Labcorp
Classification: Uncertain significance. Last evaluated: 2025-10-08. Review status: criteria provided, single submitter. Criteria: Invitae Variant Classification Sherloc (09022015). Collection method: clinical testing. Allele origin: germline.
Comment: This sequence change replaces aspartic acid, which is acidic and polar, with glutamic acid, which is acidic and polar, at codon 666 of the ANLN protein (p.Asp666Glu). This variant is present in population databases (rs372483859, gnomAD 0.0009%). This variant has not been reported in the literature in individuals affected with ANLN-related conditions. ClinVar contains an entry for this variant (Variation ID: 2198555). Invitae Evidence Modeling of protein sequence and biophysical properties (such as structural, functional, and spatial information, amino acid conservation, physicochemical variation, residue mobility, and thermodynamic stability) indicates that this missense variant is not expected to disrupt ANLN protein function with a negative predictive value of 80%. In summary, the available evidence is currently insufficient to determine the role of this variant in disease. Therefore, it has been classified as a Variant of Uncertain Significance.

Ambry Genetics
Classification: Uncertain significance. Last evaluated: 2022-12-19. Review status: criteria provided, single submitter. Criteria: Ambry Variant Classification Scheme 2023. Collection method: clinical testing. Allele origin: germline.

NM_018685.5(ANLN):c.1998T>A (p.Asp666Glu)

Gene: ANLN (anillin, actin binding protein; plus strand). Cytogenetic location: 7p14.2.
Variant type: single nucleotide variant.
Coding change: c.1998T>A on transcript NM_018685.5 (MANE Select); coding-DNA position 1998, T replaced by A.
Protein change: p.Asp666Glu; replaces aspartic acid 666 with glutamic acid.
Molecular consequence: missense variant.
Genome position (GRCh38, 1-based): chr7:36,420,297, T>A. VCF-style: chr7-36420297-T-A. GRCh37 (hg19) VCF-style: chr7-36459906-T-A.
Other names: c.1887T>A, p.Asp629Glu (NM_001284301.3); c.1884T>A, p.Asp628Glu (NM_001284302.3); c.1998T>A (NM_018685.2); short protein forms D628E, D629E, D666E.
Identifiers: ClinVar variation 2198555 (VCV002198555.5), dbSNP rs372483859, ClinGen allele CA4219741.